The following is an entry in ClinVar:

ClinVar aggregate classification (germline): Uncertain significance (1 of 4 stars; one submission).

Conditions:
Hypertrophic cardiomyopathy. Also called: HYPERTROPHIC MYOCARDIOPATHY. Identifiers: Orphanet 217569, MedGen C0007194, MeSH D002312, MONDO:0005045, HP:0001639.

Submission:

Labcorp Genetics (formerly Invitae), Labcorp
Classification: Uncertain significance for Hypertrophic cardiomyopathy. Last evaluated: 2025-10-22. Review status: criteria provided, single submitter. Criteria: Invitae Variant Classification Sherloc (09022015). Collection method: clinical testing. Allele origin: germline.
Comment: This sequence change replaces glutamic acid, which is acidic and polar, with alanine, which is neutral and non-polar, at codon 1747 of the MYH7 protein (p.Glu1747Ala). This variant is not present in population databases (gnomAD no frequency). This variant has not been reported in the literature in individuals affected with MYH7-related conditions. Invitae Evidence Modeling of protein sequence and biophysical properties (such as structural, functional, and spatial information, amino acid conservation, physicochemical variation, residue mobility, and thermodynamic stability) indicates that this missense variant is expected to disrupt MYH7 protein function with a positive predictive value of 95%. In summary, the available evidence is currently insufficient to determine the role of this variant in disease. Therefore, it has been classified as a Variant of Uncertain Significance.

NM_000257.4(MYH7):c.5240A>C (p.Glu1747Ala)

Genes: MYH7 (myosin heavy chain 7; minus strand), LOC126861897 (BRD4-independent group 4 enhancer GRCh37_chr14:23884455-23885654; plus strand). Cytogenetic location: 14q11.2.
Variant type: single nucleotide variant.
Coding change: c.5240A>C on transcript NM_000257.4 (MANE Select); coding-DNA position 5240, A replaced by C.
Protein change: p.Glu1747Ala; replaces glutamic acid 1747 with alanine.
Molecular consequence: missense variant.
Genome position (GRCh38, 1-based): chr14:23,415,424, T>G on the plus strand (A>C on the coding strand, the complement: MYH7 is on the minus strand). VCF-style: chr14-23415424-T-G. GRCh37 (hg19) VCF-style: chr14-23884633-T-G.
Other names: c.5240A>C, p.Glu1747Ala (NM_001407004.1); short protein forms E1747A.
Identifiers: ClinVar variation 4801911 (VCV004801911.1).